The following is an entry in ClinVar:

NM_001164277.2(SLC37A4):c.364G>A (p.Gly122Arg)

Gene: SLC37A4 (solute carrier family 37 member 4; minus strand). Cytogenetic location: 11q23.3.
Variant type: single nucleotide variant.
Coding change: c.364G>A on transcript NM_001164277.2 (MANE Select); coding-DNA position 364, G replaced by A.
Protein change: p.Gly122Arg; replaces glycine 122 with arginine.
Molecular consequence: missense variant.
Genome position (GRCh38, 1-based): chr11:119,028,211, C>T on the plus strand (G>A on the coding strand, the complement: SLC37A4 is on the minus strand). VCF-style: chr11-119028211-C-T. GRCh37 (hg19) VCF-style: chr11-118898921-C-T.
Other names: c.364G>A, p.Gly122Arg (NM_001164278.2, NM_001164280.2, NM_001467.6); c.145G>A, p.Gly49Arg (NM_001164279.2); short protein forms G122R, G49R.
Identifiers: ClinVar variation 660118 (VCV000660118.7), dbSNP rs1254956942, ClinGen allele CA382904517.

ClinVar aggregate classification (germline): Uncertain significance (1 of 4 stars; one submission).

Conditions:
Glucose-6-phosphate transport defect (GSD1B). Also called: Glycogen Storage Disease Type Ib; GSD Ib. Identifiers: Orphanet 364, Orphanet 79259, MedGen C0268146, MONDO:0009288, OMIM 232220.

Allele frequency attached by ClinVar (database versions not stated): gnomAD exomes below 0.00001.

Submission:

Labcorp Genetics (formerly Invitae), Labcorp
Classification: Uncertain significance for Glucose-6-phosphate transport defect. Last evaluated: 2018-09-19. Review status: criteria provided, single submitter. Criteria: Invitae Variant Classification Sherloc (09022015). Collection method: clinical testing. Allele origin: germline.
Comment: In summary, the available evidence is currently insufficient to determine the role of this variant in disease. Therefore, it has been classified as a Variant of Uncertain Significance. Algorithms developed to predict the effect of sequence changes on RNA splicing suggest that this variant may create or strengthen a splice site, but this prediction has not been confirmed by published transcriptional studies. Algorithms developed to predict the effect of missense changes on protein structure and function (SIFT, PolyPhen-2, Align-GVGD) all suggest that this variant is likely to be disruptive, but these predictions have not been confirmed by published functional studies and their clinical significance is uncertain. This variant has not been reported in the literature in individuals with SLC37A4-related disease. This variant is not present in population databases (ExAC no frequency). This sequence change replaces glycine with arginine at codon 122 of the SLC37A4 protein (p.Gly122Arg). The glycine residue is highly conserved and there is a moderate physicochemical difference between glycine and arginine.